The following is an entry in ClinVar:

NM_001081.4(CUBN):c.10246G>A (p.Asp3416Asn)

Gene: CUBN (cubilin; minus strand). Cytogenetic location: 10p13.
Variant type: single nucleotide variant.
Coding change: c.10246G>A on transcript NM_001081.4 (MANE Select); coding-DNA position 10246, G replaced by A.
Protein change: p.Asp3416Asn; replaces aspartic acid 3416 with asparagine.
Molecular consequence: missense variant.
Genome position (GRCh38, 1-based): chr10:16,835,130, C>T on the plus strand (G>A on the coding strand, the complement: CUBN is on the minus strand). VCF-style: chr10-16835130-C-T. GRCh37 (hg19) VCF-style: chr10-16877129-C-T.
Other names: short protein forms D3416N.
Identifiers: ClinVar variation 2153758 (VCV002153758.4), dbSNP rs1249826348, ClinGen allele CA376121233.

ClinVar aggregate classification (germline): Uncertain significance (1 of 4 stars; one submission).

Conditions:
Imerslund-Grasbeck syndrome. Also called: PERNICIOUS ANEMIA, JUVENILE, DUE TO SELECTIVE INTESTINAL MALABSORPTION OF VITAMIN B12, WITH PROTEINURIA; Megaloblastic anemia due to inborn errors of metabolism; ENTEROCYTE COBALAMIN MALABSORPTION; ENTEROCYTE INTRINSIC FACTOR RECEPTOR, DEFECT OF; Imerslund-Gräsbeck syndrome. Identifiers: Orphanet 35858, MedGen C4551825, MONDO:0009853.

Allele frequency attached by ClinVar (database versions not stated): gnomAD 0.00001; gnomAD exomes 0.00001; TOPMed 0.00002.
gnomAD v4.1: 11 of 1,613,994 alleles (0.00068%); highest among the groups gnomAD compares: South Asian, 0.0033%; no homozygotes.

Submission:

Labcorp Genetics (formerly Invitae), Labcorp
Classification: Uncertain significance for Imerslund-Grasbeck syndrome. Last evaluated: 2022-08-19. Review status: criteria provided, single submitter. Criteria: Invitae Variant Classification Sherloc (09022015). Collection method: clinical testing. Allele origin: germline.
Comment: This sequence change replaces aspartic acid, which is acidic and polar, with asparagine, which is neutral and polar, at codon 3416 of the CUBN protein (p.Asp3416Asn). This variant is present in population databases (no rsID available, gnomAD 0.003%). This variant has not been reported in the literature in individuals affected with CUBN-related conditions. Algorithms developed to predict the effect of missense changes on protein structure and function output the following: SIFT: "Tolerated"; PolyPhen-2: "Benign"; Align-GVGD: "Class C0". The asparagine amino acid residue is found in multiple mammalian species, which suggests that this missense change does not adversely affect protein function. In summary, the available evidence is currently insufficient to determine the role of this variant in disease. Therefore, it has been classified as a Variant of Uncertain Significance.